The following is an entry in ClinVar:

ClinVar aggregate classification (germline): Uncertain significance. Review status: criteria provided, multiple submitters, no conflicts (2 of 4 stars). 2 submissions from 2 submitters: Uncertain significance (2). Last evaluated 2024-10-16.

Allele frequency attached by ClinVar (database versions not stated): gnomAD exomes below 0.00001; TOPMed 0.00001.
gnomAD v4.1: 5 of 1,614,122 alleles (0.00031%); highest among the groups gnomAD compares: Non-Finnish European, 0.00034%; no homozygotes.

Submissions (2):

Women's Health and Genetics/Laboratory Corporation of America, LabCorp
Classification: Uncertain significance. Last evaluated: 2024-10-16. Review status: criteria provided, single submitter. Criteria: LabCorp Variant Classification Summary - May 2015. Collection method: clinical testing. Allele origin: germline.
Comment: Variant summary: PSEN1 c.322C>T (p.Arg108Trp) results in a non-conservative amino acid change in the encoded protein sequence. Five of five in-silico tools predict a damaging effect of the variant on protein function. The variant was absent in 251428 control chromosomes (gnomAD). The available data on variant occurrences in the general population are insufficient to allow any conclusion about variant significance. To our knowledge, no occurrence of c.322C>T in individuals affected with Alzheimer Disease, Type 3 and no experimental evidence demonstrating its impact on protein function have been reported. ClinVar contains an entry for this variant (Variation ID: 191767). Based on the evidence outlined above, the variant was classified as uncertain significance.

Biesecker Lab/Clinical Genomics Section, National Institutes of Health
Classification: Uncertain significance. Last evaluated: 2013-06-24. Review status: criteria provided, single submitter. Criteria: Ng et al. (Circ Cardiovasc Genet. 2013). Collection method: research. Allele origin: unknown. Observed: 1 variant allele. Study: ClinSeq.
Comment: The study set was not selected for affection status in relation to any cancer. Pathogenicity categories were based on literature curation. See Pubmed ID:23861362 for details.

Medical sequencing

NM_000021.4(PSEN1):c.322C>T (p.Arg108Trp)

Gene: PSEN1 (presenilin 1; plus strand). Cytogenetic location: 14q24.2.
Variant type: single nucleotide variant.
Coding change: c.322C>T on transcript NM_000021.4 (MANE Select); coding-DNA position 322, C replaced by T.
Protein change: p.Arg108Trp; replaces arginine 108 with tryptophan.
Molecular consequence: missense variant.
Genome position (GRCh38, 1-based): chr14:73,171,031, C>T. VCF-style: chr14-73171031-C-T. GRCh37 (hg19) VCF-style: chr14-73637739-C-T.
Other names: c.310C>T, p.Arg104Trp (NM_007318.3); short protein forms R108W, R104W.
Identifiers: ClinVar variation 191767 (VCV000191767.2), dbSNP rs200576075, ClinGen allele CA237495.